The following is an entry in ClinVar:

ClinVar aggregate classification (germline): Conflicting classifications of pathogenicity. Review status: criteria provided, conflicting classifications (1 of 4 stars). 4 submissions from 3 submitters: Uncertain significance (2); Likely benign (1). 1 of the submissions does not count toward it. Last evaluated 2026-01-27.

Conditions:
LIG4-related disorder. Also called: LIG4-related condition; LIG4-related disorders. Identifiers: MedGen CN239380.
Severe combined immunodeficiency due to DCLRE1C deficiency (RS-SCID). Also called: SCID, AUTOSOMAL RECESSIVE, T CELL-NEGATIVE, B CELL-NEGATIVE, NK CELL-POSITIVE, WITH SENSITIVITY TO IONIZING RADIATION. Identifiers: Orphanet 275, MedGen C1865371, MONDO:0011225, OMIM 602450.
DNA ligase IV deficiency. Identifiers: Orphanet 99812, MedGen C1847827, MONDO:0011686, OMIM 606593.

Allele frequency attached by ClinVar (database versions not stated): ESP Exome Variant Server 0.00015; gnomAD 0.00006; gnomAD exomes 0.00031; ExAC 0.00023; TOPMed 0.00009.
gnomAD v4.1: 226 of 1,613,876 alleles (0.014%); highest among the groups gnomAD compares: Admixed American, 0.005%; no homozygotes.

Submissions (4):

Labcorp Genetics (formerly Invitae), Labcorp
Classification: Likely benign for DNA ligase IV deficiency. Last evaluated: 2026-01-27. Review status: criteria provided, single submitter. Criteria: Invitae Variant Classification Sherloc (09022015). Collection method: clinical testing. Allele origin: germline.

Illumina Laboratory Services, Illumina
Classification: Uncertain significance for DNA ligase IV deficiency. Last evaluated: 2018-01-13. Review status: criteria provided, single submitter. Criteria: ICSL Variant Classification Criteria 13 December 2019. Collection method: clinical testing. Allele origin: germline.

Illumina Laboratory Services, Illumina
Classification: Uncertain significance for Severe combined immunodeficiency due to DCLRE1C deficiency. Last evaluated: 2018-01-13. Review status: criteria provided, single submitter. Criteria: ICSL Variant Classification Criteria 13 December 2019. Collection method: clinical testing. Allele origin: germline.

PreventionGenetics, part of Exact Sciences
Classification: Likely benign for LIG4-related condition. Last evaluated: 2024-09-25. Review status: no assertion criteria provided. Collection method: clinical testing. Allele origin: germline. Not counted in ClinVar's aggregate classification.
Comment: This variant is classified as likely benign based on ACMG/AMP sequence variant interpretation guidelines (Richards et al. 2015 PMID: 25741868, with internal and published modifications).

NM_206937.2(LIG4):c.500T>G (p.Ile167Arg)

Gene: LIG4 (DNA ligase 4; minus strand). Cytogenetic location: 13q33.3.
Variant type: single nucleotide variant.
Coding change: c.500T>G on transcript NM_206937.2 (MANE Select); coding-DNA position 500, T replaced by G.
Protein change: p.Ile167Arg; replaces isoleucine 167 with arginine.
Molecular consequence: missense variant.
Genome position (GRCh38, 1-based): chr13:108,210,769, A>C on the plus strand (T>G on the coding strand, the complement: LIG4 is on the minus strand). VCF-style: chr13-108210769-A-C. GRCh37 (hg19) VCF-style: chr13-108863117-A-C.
Other names: c.500T>G, p.Ile167Arg (NM_001098268.2, NM_001352598.2, NM_001352599.2 and 6 more transcripts); c.299T>G, p.Ile100Arg (NM_001330595.2); c.536T>G, p.Ile179Arg (NM_001352604.2); short protein forms I167R, I100R, I179R.
Identifiers: ClinVar variation 310992 (VCV000310992.17), dbSNP rs138021217, ClinGen allele CA7043833.